The following is an entry in ClinVar:

ClinVar aggregate classification (germline): Uncertain significance (1 of 4 stars; one submission).

gnomAD v4.1: 1 of 1,605,618 alleles (0.000062%); highest among the groups gnomAD compares: South Asian, 0.0011%; no homozygotes.

Submission:

Labcorp Genetics (formerly Invitae), Labcorp
Classification: Uncertain significance. Last evaluated: 2021-10-25. Review status: criteria provided, single submitter. Criteria: Invitae Variant Classification Sherloc (09022015). Collection method: clinical testing. Allele origin: germline.
Comment: Algorithms developed to predict the effect of missense changes on protein structure and function are either unavailable or do not agree on the potential impact of this missense change (SIFT: "Deleterious"; PolyPhen-2: "Probably Damaging"; Align-GVGD: "Class C0"). This sequence change replaces glutamic acid with alanine at codon 592 of the TBCK protein (p.Glu592Ala). The glutamic acid residue is highly conserved and there is a moderate physicochemical difference between glutamic acid and alanine. This variant is not present in population databases (ExAC no frequency). This variant has not been reported in the literature in individuals affected with TBCK-related conditions. In summary, the available evidence is currently insufficient to determine the role of this variant in disease. Therefore, it has been classified as a Variant of Uncertain Significance.

NM_001163435.3(TBCK):c.1775A>C (p.Glu592Ala)

Gene: TBCK (TBC1 domain containing kinase; minus strand). Cytogenetic location: 4q24.
Variant type: single nucleotide variant.
Coding change: c.1775A>C on transcript NM_001163435.3 (MANE Select); coding-DNA position 1775, A replaced by C.
Protein change: p.Glu592Ala; replaces glutamic acid 592 with alanine.
Molecular consequence: missense variant.
Genome position (GRCh38, 1-based): chr4:106,212,835, T>G on the plus strand (A>C on the coding strand, the complement: TBCK is on the minus strand). VCF-style: chr4-106212835-T-G. GRCh37 (hg19) VCF-style: chr4-107133992-T-G.
Other names: c.1775A>C, p.Glu592Ala (NM_001163436.4); c.1658A>C, p.Glu553Ala (NM_001163437.3); c.1259A>C, p.Glu420Ala (NM_001290768.2); c.1586A>C, p.Glu529Ala (NM_033115.5); short protein forms E553A, E420A, E592A, E529A.
Identifiers: ClinVar variation 1389312 (VCV001389312.6), dbSNP rs2149891992, ClinGen allele CA357821795.